The following is an entry in ClinVar:

ClinVar aggregate classification (germline): Uncertain significance (0 of 4 stars; one submission).

Conditions:
SLC7A9-related disorder. Also called: SLC7A9-related condition.

Submission:

PreventionGenetics, part of Exact Sciences
Classification: Uncertain significance for SLC7A9-related condition. Last evaluated: 2023-12-16. Review status: no assertion criteria provided. Collection method: clinical testing. Allele origin: germline.
Comment: The SLC7A9 c.520A>G variant is predicted to result in the amino acid substitution p.Ser174Gly. To our knowledge, this variant has not been reported in the literature or in a large population database, indicating this variant is rare. At this time, the clinical significance of this variant is uncertain due to the absence of conclusive functional and genetic evidence.

NM_014270.5(SLC7A9):c.520A>G (p.Ser174Gly)

Gene: SLC7A9 (solute carrier family 7 member 9; minus strand). Cytogenetic location: 19q13.11.
Variant type: single nucleotide variant.
Coding change: c.520A>G on transcript NM_014270.5 (MANE Select); coding-DNA position 520, A replaced by G.
Protein change: p.Ser174Gly; replaces serine 174 with glycine.
Molecular consequence: missense variant.
Genome position (GRCh38, 1-based): chr19:32,862,545, T>C on the plus strand (A>G on the coding strand, the complement: SLC7A9 is on the minus strand). VCF-style: chr19-32862545-T-C. GRCh37 (hg19) VCF-style: chr19-33353451-T-C.
Other names: c.520A>G, p.Ser174Gly (NM_001126335.2, NM_001243036.2); short protein forms S174G.
Identifiers: ClinVar variation 3052325 (VCV003052325.2), dbSNP rs1276571997, ClinGen allele CA405202882.